The following is an entry in ClinVar:

ClinVar aggregate classification (germline): Pathogenic (1 of 4 stars; one submission).

Conditions:
Combined oxidative phosphorylation defect type 17. Also called: Combined oxidative phosphorylation deficiency 17. Identifiers: Orphanet 369913, MedGen C3809526, MONDO:0014190, OMIM 615440.

Submission:

Labcorp Genetics (formerly Invitae), Labcorp
Classification: Pathogenic for Combined oxidative phosphorylation defect type 17. Last evaluated: 2025-06-08. Review status: criteria provided, single submitter. Criteria: Invitae Variant Classification Sherloc (09022015). Collection method: clinical testing. Allele origin: germline.
Comment: This sequence change creates a premature translational stop signal (p.Ser736Thrfs*15) in the ELAC2 gene. While this is not anticipated to result in nonsense mediated decay, it is expected to disrupt the last 91 amino acid(s) of the ELAC2 protein. This variant is not present in population databases (gnomAD no frequency). This variant has not been reported in the literature in individuals affected with ELAC2-related conditions. This variant disrupts a region of the ELAC2 protein in which other variant(s) (p.Arg781His) have been determined to be pathogenic (PMID: 31045291; external communication, internal data). This suggests that this is a clinically significant region of the protein, and that variants that disrupt it are likely to be disease-causing. For these reasons, this variant has been classified as Pathogenic.

Literature cited by the submitters: PubMed 31045291.

NM_018127.7(ELAC2):c.2207del (p.Ser736fs)

Gene: ELAC2 (elaC ribonuclease Z 2; minus strand). Cytogenetic location: 17p12.
Variant type: Deletion.
Coding change: c.2207del on transcript NM_018127.7 (MANE Select); coding-DNA position 2207, one base deleted (G; older notation c.2207delG).
Protein change: p.Ser736fs; shifts the reading frame from serine 736.
Molecular consequence: frameshift variant.
Genome position (GRCh38, 1-based): chr17:12,993,733, C deleted on the plus strand (G on the coding strand, the reverse complement: ELAC2 is on the minus strand). VCF-style (leftmost placement, unchanged base first): chr17-12993732-GC-G. GRCh37 (hg19) VCF-style: chr17-12897049-GC-G.
Other names: c.2087del, p.Ser696fs (NM_001165962.2); c.2204del, p.Ser735fs (NM_173717.2); short protein forms S736fs, S696fs, S735fs.
Identifiers: ClinVar variation 4763839 (VCV004763839.1).